The following is an entry in ClinVar:

NM_013450.4(BAZ2B):c.3868C>T (p.Arg1290Ter)

Gene: BAZ2B (bromodomain adjacent to zinc finger domain 2B; minus strand). Cytogenetic location: 2q24.2.
Variant type: single nucleotide variant.
Coding change: c.3868C>T on transcript NM_013450.4 (MANE Select); coding-DNA position 3868, C replaced by T.
Protein change: p.Arg1290Ter; replaces arginine 1290 with a stop codon.
Molecular consequence: nonsense.
Genome position (GRCh38, 1-based): chr2:159,382,696, G>A on the plus strand (C>T on the coding strand, the complement: BAZ2B is on the minus strand). VCF-style: chr2-159382696-G-A. GRCh37 (hg19) VCF-style: chr2-160239207-G-A.
Other names: c.3760C>T, p.Arg1254Ter (NM_001289975.1); c.3706C>T, p.Arg1236Ter (NM_001329857.2); c.3793C>T, p.Arg1265Ter (NM_001329858.2); short protein forms R1254*, R1236*, R1265*, R1290*.
Identifiers: ClinVar variation 3654328 (VCV003654328.2).
Genomic context (GRCh38, chr2:159,382,696, plus strand): 5'-GGTCATCACTGTCATCGTCATCATCATCGTCATAATCACTGTCTCCTCCCTTCCTTCTTC[G>A]CTTGCGTCCTGGAGTGGGTGTGCCCAAGGGATGCTGCTCTTCTCCCAGATCAATGCCACC-3'

ClinVar aggregate classification (germline): Pathogenic (1 of 4 stars; one submission).

Submission:

Labcorp Genetics (formerly Invitae), Labcorp
Classification: Pathogenic. Last evaluated: 2024-05-22. Review status: criteria provided, single submitter. Criteria: Invitae Variant Classification Sherloc (09022015). Collection method: clinical testing. Allele origin: germline.
Comment: This sequence change creates a premature translational stop signal (p.Arg1254*) in the BAZ2B gene. It is expected to result in an absent or disrupted protein product. Loss-of-function variants in BAZ2B are known to be pathogenic (PMID: 31999386). This variant is present in population databases (rs377423927, gnomAD 0.0009%). This premature translational stop signal has been observed in individual(s) with BAZ2B-related conditions (PMID: 28867142). This variant is also known as c.3868C>T (p.Arg1290Ter). For these reasons, this variant has been classified as Pathogenic.

Literature cited by the submitters: PubMed 31999386; PubMed 28867142.